The following is an entry in ClinVar:

ClinVar aggregate classification (germline): Pathogenic/Likely pathogenic. Review status: criteria provided, multiple submitters, no conflicts (2 of 4 stars). 2 submissions from 2 submitters: Pathogenic (1); Likely pathogenic (1). Last evaluated 2025-05-04.

Conditions:
Spermatogenic failure 46. Identifiers: MedGen C5436799, MONDO:0033673, OMIM 619095.
Primary ciliary dyskinesia. Also called: Ciliary dyskinesia. Identifiers: Orphanet 244, MedGen C0008780, MONDO:0016575, HP:0012265.

Allele frequency attached by ClinVar (database versions not stated): gnomAD exomes 0.00002; gnomAD 0.00003; TOPMed 0.00003.
gnomAD v4.1: 31 of 1,589,550 alleles (0.002%); highest among the groups gnomAD compares: African/African-American, 0.004%; no homozygotes.

Submissions (2):

Labcorp Genetics (formerly Invitae), Labcorp
Classification: Pathogenic for Primary ciliary dyskinesia. Last evaluated: 2025-05-04. Review status: criteria provided, single submitter. Criteria: Invitae Variant Classification Sherloc (09022015). Collection method: clinical testing. Allele origin: germline.
Comment: This sequence change creates a premature translational stop signal (p.Arg1090*) in the DNAH8 gene. It is expected to result in an absent or disrupted protein product. Loss-of-function variants in DNAH8 are known to be pathogenic (PMID: 24307375, 32619401, 32681648). This variant is present in population databases (rs199969537, gnomAD 0.008%). This variant has not been reported in the literature in individuals affected with DNAH8-related conditions. ClinVar contains an entry for this variant (Variation ID: 2175173). Algorithms developed to predict the effect of sequence changes on RNA splicing suggest that this variant may disrupt the consensus splice site. For these reasons, this variant has been classified as Pathogenic.

Department of Pathology and Laboratory Medicine, Sinai Health System
Classification: Likely pathogenic for spermatogenic failure 46. Last evaluated: 2022-03-17. Review status: criteria provided, single submitter. Criteria: ACMG Guidelines, 2015. Collection method: research. Allele origin: germline.

Literature cited by the submitters: PubMed 24307375 (cited by Labcorp Genetics (formerly Invitae), Labcorp); PubMed 32619401 (cited by Labcorp Genetics (formerly Invitae), Labcorp); PubMed 32681648 (cited by Labcorp Genetics (formerly Invitae), Labcorp).

NM_001206927.2(DNAH8):c.3268C>T (p.Arg1090Ter)

Gene: DNAH8 (dynein axonemal heavy chain 8; plus strand). Cytogenetic location: 6p21.2.
Variant type: single nucleotide variant.
Coding change: c.3268C>T on transcript NM_001206927.2 (MANE Select); coding-DNA position 3268, C replaced by T.
Protein change: p.Arg1090Ter; replaces arginine 1090 with a stop codon.
Molecular consequence: nonsense.
Genome position (GRCh38, 1-based): chr6:38,814,064, C>T. VCF-style: chr6-38814064-C-T. GRCh37 (hg19) VCF-style: chr6-38781840-C-T.
Other names: c.2617C>T, p.Arg873Ter (NM_001371.4); short protein forms R873*, R1090*.
Identifiers: ClinVar variation 2175173 (VCV002175173.5), dbSNP rs199969537, ClinGen allele CA3788787.